The following is an entry in ClinVar:

NM_000321.3(RB1):c.35C>T (p.Thr12Ile)

Gene: RB1 (RB transcriptional corepressor 1; plus strand). Cytogenetic location: 13q14.2.
Variant type: single nucleotide variant.
Coding change: c.35C>T on transcript NM_000321.3 (MANE Select); coding-DNA position 35, C replaced by T.
Protein change: p.Thr12Ile; replaces threonine 12 with isoleucine.
Molecular consequence: missense variant.
Genome position (GRCh38, 1-based): chr13:48,303,947, C>T. VCF-style: chr13-48303947-C-T. GRCh37 (hg19) VCF-style: chr13-48878083-C-T.
Other names: c.35C>T, p.Thr12Ile (NM_001407165.1, NM_001407166.1, NM_001407167.1); short protein forms T12I.
Identifiers: ClinVar variation 5027942 (VCV005027942.1).

ClinVar aggregate classification (germline): Uncertain significance (1 of 4 stars; one submission).

Conditions:
Hereditary cancer-predisposing syndrome. Also called: Neoplastic Syndromes, Hereditary; Tumor predisposition; Hereditary neoplastic syndrome; Hereditary Cancer Syndrome. Identifiers: Orphanet 140162, MedGen C0027672, MeSH D009386, MONDO:0015356.

gnomAD v4.1: 1 of 1,509,516 alleles (0.000066%); highest among the groups gnomAD compares: Non-Finnish European, 0.000088%; no homozygotes.

Submission:

Ambry Genetics
Classification: Uncertain significance for Hereditary cancer-predisposing syndrome. Last evaluated: 2026-07-06. Review status: criteria provided, single submitter. Criteria: Ambry Variant Classification Scheme 2023. Collection method: clinical testing. Allele origin: germline.
Comment: The p.T12I variant (also known as c.35C>T), located in coding exon 1 of the RB1 gene, results from a C to T substitution at nucleotide position 35. The threonine at codon 12 is replaced by isoleucine, an amino acid with similar properties. This amino acid position is conserved. In addition, this alteration is predicted to be tolerated by in silico analysis. Based on the available evidence, the clinical significance of this variant remains unclear.